The following is an entry in ClinVar:

ClinVar aggregate classification (germline): Uncertain significance. Review status: criteria provided, multiple submitters, no conflicts (2 of 4 stars). 3 submissions from 3 submitters: Uncertain significance (3). Last evaluated 2025-10-19.

Conditions:
Ullrich congenital muscular dystrophy 2 (UCMD2). Identifiers: Orphanet 75840, MedGen C4225314, MONDO:0014654, OMIM 616470.
Bethlem myopathy 2 (BTHLM2). Identifiers: Orphanet 536516, Orphanet 610, MedGen C4225313, MONDO:0034022, OMIM 616471.
COL12A1-related disorder. Also called: COL12A1-related condition.

Allele frequency attached by ClinVar (database versions not stated): gnomAD exomes 0.00001; ExAC 0.00003.
gnomAD v4.1: 10 of 1,613,860 alleles (0.00062%); highest among the groups gnomAD compares: Non-Finnish European, 0.00085%; no homozygotes.

Submissions (3):

Labcorp Genetics (formerly Invitae), Labcorp
Classification: Uncertain significance for Bethlem myopathy 2; Ullrich congenital muscular dystrophy 2. Last evaluated: 2025-10-19. Review status: criteria provided, single submitter. Criteria: Invitae Variant Classification Sherloc (09022015). Collection method: clinical testing. Allele origin: germline.
Comment: This sequence change replaces threonine, which is neutral and polar, with lysine, which is basic and polar, at codon 1015 of the COL12A1 protein (p.Thr1015Lys). This variant is present in population databases (rs774087407, gnomAD 0.004%). This variant has not been reported in the literature in individuals affected with COL12A1-related conditions. ClinVar contains an entry for this variant (Variation ID: 939805). Invitae Evidence Modeling of protein sequence and biophysical properties (such as structural, functional, and spatial information, amino acid conservation, physicochemical variation, residue mobility, and thermodynamic stability) indicates that this missense variant is not expected to disrupt COL12A1 protein function with a negative predictive value of 80%. In summary, the available evidence is currently insufficient to determine the role of this variant in disease. Therefore, it has been classified as a Variant of Uncertain Significance.

Mayo Clinic Laboratories, Mayo Clinic
Classification: Uncertain significance. Last evaluated: 2024-09-20. Review status: criteria provided, single submitter. Criteria: ACMG Guidelines, 2015. Collection method: clinical testing. Allele origin: germline. Observed: 1 variant allele.
Comment: BP4

PreventionGenetics, part of Exact Sciences
Classification: Uncertain significance for COL12A1-related condition. Last evaluated: 2023-01-05. Review status: criteria provided, single submitter. Criteria: ACMG Guidelines, 2015. Collection method: clinical testing. Allele origin: germline.
Comment: The COL12A1 c.3044C>A variant is predicted to result in the amino acid substitution p.Thr1015Lys. To our knowledge, this variant has not been reported in the literature. This variant is reported in 0.0027% of alleles in individuals of European (Non-Finnish) descent in gnomAD. At this time, the clinical significance of this variant is uncertain due to the absence of conclusive functional and genetic evidence.

NM_004370.6(COL12A1):c.3044C>A (p.Thr1015Lys)

Gene: COL12A1 (collagen type XII alpha 1 chain; minus strand). Cytogenetic location: 6q13.
Variant type: single nucleotide variant.
Coding change: c.3044C>A on transcript NM_004370.6 (MANE Select); coding-DNA position 3044, C replaced by A.
Protein change: p.Thr1015Lys; replaces threonine 1015 with lysine.
Molecular consequence: missense variant. On other transcripts: intron variant (1).
Genome position (GRCh38, 1-based): chr6:75,156,463, G>T on the plus strand (C>A on the coding strand, the complement: COL12A1 is on the minus strand). VCF-style: chr6-75156463-G-T. GRCh37 (hg19) VCF-style: chr6-75866179-G-T.
Other names: p.Thr1015Lys; c.74-3981C>A (NM_080645.3); short protein forms T1015K.
Identifiers: ClinVar variation 939805 (VCV000939805.12), dbSNP rs774087407, ClinGen allele CA3893817.